The following is an entry in ClinVar:

NM_000081.4(LYST):c.11155A>G (p.Ile3719Val)

Gene: LYST (lysosomal trafficking regulator; minus strand). Cytogenetic location: 1q42.3.
Variant type: single nucleotide variant.
Coding change: c.11155A>G on transcript NM_000081.4 (MANE Select); coding-DNA position 11155, A replaced by G.
Protein change: p.Ile3719Val; replaces isoleucine 3719 with valine.
Molecular consequence: missense variant.
Genome position (GRCh38, 1-based): chr1:235,664,505, T>C on the plus strand (A>G on the coding strand, the complement: LYST is on the minus strand). VCF-style: chr1-235664505-T-C. GRCh37 (hg19) VCF-style: chr1-235827805-T-C.
Other names: c.11155A>G, p.Ile3719Val (NM_001301365.1); short protein forms I3719V.
Identifiers: ClinVar variation 1520138 (VCV001520138.7), dbSNP rs1658272868, ClinGen allele CA344986710.

ClinVar aggregate classification (germline): Uncertain significance (1 of 4 stars; one submission).

Conditions:
Chédiak-Higashi syndrome (CHS). Also called: Chediak-Higashi Syndrome. Identifiers: Orphanet 167, MedGen C0007965, MONDO:0008963, OMIM 214500.

Allele frequency attached by ClinVar (database versions not stated): gnomAD exomes below 0.00001; TOPMed below 0.00001.
gnomAD v4.1: 1 of 1,614,170 alleles (0.000062%); highest among the groups gnomAD compares: Non-Finnish European, 0.000085%; no homozygotes.

Submission:

Labcorp Genetics (formerly Invitae), Labcorp
Classification: Uncertain significance for Chédiak-Higashi syndrome. Last evaluated: 2021-04-02. Review status: criteria provided, single submitter. Criteria: Invitae Variant Classification Sherloc (09022015). Collection method: clinical testing. Allele origin: germline.
Comment: Algorithms developed to predict the effect of missense changes on protein structure and function output the following: SIFT: "Tolerated"; PolyPhen-2: "Benign"; Align-GVGD: "Class C0". The valine amino acid residue is found in multiple mammalian species, suggesting that this missense change does not adversely affect protein function. These predictions have not been confirmed by published functional studies and their clinical significance is uncertain. In summary, the available evidence is currently insufficient to determine the role of this variant in disease. Therefore, it has been classified as a Variant of Uncertain Significance. This sequence change replaces isoleucine with valine at codon 3719 of the LYST protein (p.Ile3719Val). The isoleucine residue is weakly conserved and there is a small physicochemical difference between isoleucine and valine. This variant is not present in population databases (ExAC no frequency). This variant has not been reported in the literature in individuals with LYST-related conditions.